The following is an entry in ClinVar:

NM_000054.7(AVPR2):c.428G>A (p.Arg143His)

Gene: AVPR2 (arginine vasopressin receptor 2; plus strand). Cytogenetic location: Xq28.
Variant type: single nucleotide variant.
Coding change: c.428G>A on transcript NM_000054.7 (MANE Select); coding-DNA position 428, G replaced by A.
Protein change: p.Arg143His; replaces arginine 143 with histidine.
Molecular consequence: missense variant.
Genome position (GRCh38, 1-based): chrX:153,905,934, G>A. VCF-style: chrX-153905934-G-A. GRCh37 (hg19) VCF-style: chrX-153171388-G-A.
Other names: c.428G>A, p.Arg143His (NM_001146151.3); short protein forms R143H.
Identifiers: ClinVar variation 914115 (VCV000914115.5), dbSNP rs146238429, ClinGen allele CA10555001.

ClinVar aggregate classification (germline): Conflicting classifications of pathogenicity. Review status: criteria provided, conflicting classifications (1 of 4 stars). 2 submissions from 2 submitters: Uncertain significance (1); Likely benign (1). Last evaluated 2022-07-17.

Conditions:
Diabetes insipidus, nephrogenic, X-linked. Also called: Nephrogenic Diabetes Insipidus, Type I. Identifiers: Orphanet 223, MedGen C1563705, MONDO:0010581, OMIM 304800.

Allele frequency attached by ClinVar (database versions not stated): TOPMed 0.00006; ESP Exome Variant Server 0.00009; gnomAD 0.00009.
gnomAD v4.1: 51 of 1,203,172 alleles (0.0042%); highest among the groups gnomAD compares: Admixed American, 0.015%; no homozygotes.

Submissions (2):

Labcorp Genetics (formerly Invitae), Labcorp
Classification: Uncertain significance. Last evaluated: 2022-07-17. Review status: criteria provided, single submitter. Criteria: Invitae Variant Classification Sherloc (09022015). Collection method: clinical testing. Allele origin: germline.
Comment: This sequence change replaces arginine, which is basic and polar, with histidine, which is basic and polar, at codon 143 of the AVPR2 protein (p.Arg143His). This variant is present in population databases (rs146238429, gnomAD 0.005%). This variant has not been reported in the literature in individuals affected with AVPR2-related conditions. ClinVar contains an entry for this variant (Variation ID: 914115). Advanced modeling of protein sequence and biophysical properties (such as structural, functional, and spatial information, amino acid conservation, physicochemical variation, residue mobility, and thermodynamic stability) performed at Invitae indicates that this missense variant is not expected to disrupt AVPR2 protein function. This variant disrupts the p.Arg143 amino acid residue in AVPR2. Other variant(s) that disrupt this residue have been determined to be pathogenic (PMID: 8267567). This suggests that this residue is clinically significant, and that variants that disrupt this residue are likely to be disease-causing. In summary, the available evidence is currently insufficient to determine the role of this variant in disease. Therefore, it has been classified as a Variant of Uncertain Significance.

Illumina Laboratory Services, Illumina
Classification: Likely benign for Diabetes insipidus, nephrogenic, X-linked. Last evaluated: 2017-09-08. Review status: criteria provided, single submitter. Criteria: ICSL Variant Classification Criteria 13 December 2019. Collection method: clinical testing. Allele origin: germline.
Comment: This variant was observed as part of a predisposition screen in an ostensibly healthy population. A literature search was performed for the gene, cDNA change, and amino acid change (where applicable). Publications were found based on this search. The evidence from the literature, in combination with allele frequency data from public databases where available, was sufficient to determine this variant is unlikely to cause disease. Therefore, this variant is classified as likely benign.

Literature cited by the submitters: PubMed 8267567 (cited by Labcorp Genetics (formerly Invitae), Labcorp); PubMed 9587067 (cited by Illumina Laboratory Services, Illumina).